The following is an entry in ClinVar:

ClinVar aggregate classification (germline): Uncertain significance. Review status: criteria provided, multiple submitters, no conflicts (2 of 4 stars). 2 submissions from 2 submitters: Uncertain significance (2). Last evaluated 2024-11-25.

Conditions:
Inborn genetic diseases. Identifiers: MedGen C0950123, MeSH D030342.

Allele frequency attached by ClinVar (database versions not stated): TOPMed 0.00004; ExAC 0.00005; gnomAD exomes 0.00002; gnomAD 0.00004.
gnomAD v4.1: 24 of 1,613,840 alleles (0.0015%); highest among the groups gnomAD compares: African/African-American, 0.0053%; no homozygotes.

Submissions (2):

Ambry Genetics
Classification: Uncertain significance for Inborn genetic diseases. Last evaluated: 2024-11-25. Review status: criteria provided, single submitter. Criteria: Ambry Variant Classification Scheme 2023. Collection method: clinical testing. Allele origin: germline.

Labcorp Genetics (formerly Invitae), Labcorp
Classification: Uncertain significance. Last evaluated: 2021-07-24. Review status: criteria provided, single submitter. Criteria: Invitae Variant Classification Sherloc (09022015). Collection method: clinical testing. Allele origin: germline.
Comment: This sequence change replaces arginine with glutamine at codon 3821 of the HSPG2 protein (p.Arg3821Gln). The arginine residue is weakly conserved and there is a small physicochemical difference between arginine and glutamine. This variant is present in population databases (rs751425290, ExAC 0.01%). This variant has not been reported in the literature in individuals affected with HSPG2-related conditions. Algorithms developed to predict the effect of missense changes on protein structure and function are either unavailable or do not agree on the potential impact of this missense change (SIFT: "Tolerated"; PolyPhen-2: "Probably Damaging"; Align-GVGD: "Class C0"). Algorithms developed to predict the effect of sequence changes on RNA splicing suggest that this variant may create or strengthen a splice site. In summary, the available evidence is currently insufficient to determine the role of this variant in disease. Therefore, it has been classified as a Variant of Uncertain Significance.

NM_005529.7(HSPG2):c.11462G>A (p.Arg3821Gln)

Gene: HSPG2 (heparan sulfate proteoglycan 2; minus strand). Cytogenetic location: 1p36.12.
Variant type: single nucleotide variant.
Coding change: c.11462G>A on transcript NM_005529.7 (MANE Select); coding-DNA position 11462, G replaced by A.
Protein change: p.Arg3821Gln; replaces arginine 3821 with glutamine.
Molecular consequence: missense variant.
Genome position (GRCh38, 1-based): chr1:21,831,315, C>T on the plus strand (G>A on the coding strand, the complement: HSPG2 is on the minus strand). VCF-style: chr1-21831315-C-T. GRCh37 (hg19) VCF-style: chr1-22157808-C-T.
Other names: c.11465G>A, p.Arg3822Gln (NM_001291860.2); c.11462G>A (NM_005529.5); short protein forms R3821Q, R3822Q.
Identifiers: ClinVar variation 1495108 (VCV001495108.4), dbSNP rs751425290, ClinGen allele CA669774.